The following is an entry in ClinVar:

NM_001018005.2(TPM1):c.305C>A (p.Ala102Asp)

Gene: TPM1 (tropomyosin 1; plus strand). Cytogenetic location: 15q22.2.
Variant type: single nucleotide variant.
Coding change: c.305C>A on transcript NM_001018005.2 (MANE Select); coding-DNA position 305, C replaced by A.
Protein change: p.Ala102Asp; replaces alanine 102 with aspartic acid.
Molecular consequence: missense variant.
Genome position (GRCh38, 1-based): chr15:63,057,049, C>A. VCF-style: chr15-63057049-C-A. GRCh37 (hg19) VCF-style: chr15-63349248-C-A.
Other names: c.305C>A, p.Ala102Asp (NM_000366.6, NM_001018004.2, NM_001018006.2 and 6 more transcripts); c.197C>A, p.Ala66Asp (NM_001018008.2, NM_001301289.2, NM_001330344.2 and 5 more transcripts); c.431C>A, p.Ala144Asp (NM_001365778.1); short protein forms A102D, A144D, A66D.
Identifiers: ClinVar variation 43412 (VCV000043412.5), dbSNP rs397516367, ClinGen allele CA017963.

ClinVar aggregate classification (germline): Uncertain significance (1 of 4 stars; one submission).

Submission:

Laboratory for Molecular Medicine, Mass General Brigham Personalized Medicine
Classification: Uncertain significance. Last evaluated: 2010-12-23. Review status: criteria provided, single submitter. Criteria: LMM Criteria. Collection method: clinical testing. Allele origin: germline. Observed: 4 variant alleles.
Comment: Variant classified as Uncertain Significance - Favor Pathogenic. The Ala102Asp v ariant has not been reported in the literature. Alanine (Ala) at position 102 i s highly conserved across mammals (alignments were not available for more evolut ionary distant species), increasing the likelihood that the change is pathogenic . In addition, the variant was predicted to be pathogenic using a novel computational tool (a cust omized sarcomere-specific PolyPhen tool, which was validated using a set of card iomyopathy variants with well-established clinical significance). This tool's pa thogenic prediction is estimated to be correct 94% of the time, which suggests b ut does not prove that this variant is pathogenic. However, additional evidence (such as absence in healthy controls) is needed to determine the clinical signif icance of this variant with certainty.